The following is an entry in ClinVar:

NM_001370259.2(MEN1):c.748C>T (p.His250Tyr)

Gene: MEN1 (menin 1; minus strand). Cytogenetic location: 11q13.1.
Variant type: single nucleotide variant.
Coding change: c.748C>T on transcript NM_001370259.2 (MANE Select); coding-DNA position 748, C replaced by T.
Protein change: p.His250Tyr; replaces histidine 250 with tyrosine.
Molecular consequence: missense variant. On other transcripts: non-coding transcript variant (4).
Genome position (GRCh38, 1-based): chr11:64,807,587, G>A on the plus strand (C>T on the coding strand, the complement: MEN1 is on the minus strand). VCF-style: chr11-64807587-G-A. GRCh37 (hg19) VCF-style: chr11-64575059-G-A.
Other names: c.763C>T, p.His255Tyr (NM_000244.4, NM_001407145.1, NM_001407150.1 and 5 more transcripts); c.748C>T, p.His250Tyr (NM_001370251.2, NM_001370260.2, NM_001370261.2 and 7 more transcripts); c.643C>T, p.His215Tyr (NM_001370262.2, NM_001370263.2, NM_001407148.1 and 2 more transcripts); short protein forms H215Y, H250Y, H255Y.
Identifiers: ClinVar variation 3394975 (VCV003394975.1).

ClinVar aggregate classification (germline): Uncertain significance (1 of 4 stars; one submission).

Conditions:
Hereditary cancer-predisposing syndrome. Also called: Hereditary Cancer Syndrome; Tumor predisposition; Hereditary neoplastic syndrome; Neoplastic Syndromes, Hereditary. Identifiers: Orphanet 140162, MedGen C0027672, MeSH D009386, MONDO:0015356.

Submission:

Ambry Genetics
Classification: Uncertain significance for Hereditary cancer-predisposing syndrome. Last evaluated: 2024-09-26. Review status: criteria provided, single submitter. Criteria: Ambry Variant Classification Scheme 2023. Collection method: clinical testing. Allele origin: germline.
Comment: The p.H250Y variant (also known as c.748C>T), located in coding exon 3 of the MEN1 gene, results from a C to T substitution at nucleotide position 748. The histidine at codon 250 is replaced by tyrosine, an amino acid with similar properties. This amino acid position is conserved. In addition, this alteration is predicted to be deleterious by in silico analysis. Based on the available evidence, the clinical significance of this variant remains unclear.